The following is an entry in ClinVar:

NM_015512.5(DNAH1):c.4840A>C (p.Met1614Leu)

Gene: DNAH1 (dynein axonemal heavy chain 1; plus strand). Cytogenetic location: 3p21.1.
Variant type: single nucleotide variant.
Coding change: c.4840A>C on transcript NM_015512.5 (MANE Select); coding-DNA position 4840, A replaced by C.
Protein change: p.Met1614Leu; replaces methionine 1614 with leucine.
Molecular consequence: missense variant.
Genome position (GRCh38, 1-based): chr3:52,361,318, A>C. VCF-style: chr3-52361318-A-C. GRCh37 (hg19) VCF-style: chr3-52395334-A-C.
Other names: short protein forms M1614L.
Identifiers: ClinVar variation 4794240 (VCV004794240.1).

ClinVar aggregate classification (germline): Uncertain significance (1 of 4 stars; one submission).

Conditions:
Spermatogenic failure 18. Identifiers: MedGen C4539783, MONDO:0054615, OMIM 617576.
Ciliary dyskinesia, primary, 37 (CILD37). Also called: CILIARY DYSKINESIA, PRIMARY, 37, WITH OR WITHOUT SITUS INVERSUS. Identifiers: MedGen C4539798, MONDO:0033204, OMIM 617577.

Submission:

Labcorp Genetics (formerly Invitae), Labcorp
Classification: Uncertain significance for Ciliary dyskinesia, primary, 37; Spermatogenic failure 18. Last evaluated: 2025-03-07. Review status: criteria provided, single submitter. Criteria: Invitae Variant Classification Sherloc (09022015). Collection method: clinical testing. Allele origin: germline.
Comment: This sequence change replaces methionine, which is neutral and non-polar, with leucine, which is neutral and non-polar, at codon 1614 of the DNAH1 protein (p.Met1614Leu). This variant is not present in population databases (gnomAD no frequency). This variant has not been reported in the literature in individuals affected with DNAH1-related conditions. Invitae Evidence Modeling of protein sequence and biophysical properties (such as structural, functional, and spatial information, amino acid conservation, physicochemical variation, residue mobility, and thermodynamic stability) indicates that this missense variant is expected to disrupt DNAH1 protein function with a positive predictive value of 80%. In summary, the available evidence is currently insufficient to determine the role of this variant in disease. Therefore, it has been classified as a Variant of Uncertain Significance.